The following is an entry in ClinVar:

NM_015102.5(NPHP4):c.1166T>C (p.Val389Ala)

Gene: NPHP4 (nephrocystin 4; minus strand). Cytogenetic location: 1p36.31.
Variant type: single nucleotide variant.
Coding change: c.1166T>C on transcript NM_015102.5 (MANE Select); coding-DNA position 1166, T replaced by C.
Protein change: p.Val389Ala; replaces valine 389 with alanine.
Molecular consequence: missense variant. On other transcripts: 5 prime UTR variant (2), non-coding transcript variant (1).
Genome position (GRCh38, 1-based): chr1:5,933,283, A>G on the plus strand (T>C on the coding strand, the complement: NPHP4 is on the minus strand). VCF-style: chr1-5933283-A-G. GRCh37 (hg19) VCF-style: chr1-5993343-A-G.
Other names: c.1166T>C (NM_015102.4); c.-201T>C (NM_001291593.2, NM_001291594.2); short protein forms V389A.
Identifiers: ClinVar variation 297824 (VCV000297824.16), dbSNP rs368324380, ClinGen allele CA554603.

ClinVar aggregate classification (germline): Uncertain significance. Review status: criteria provided, multiple submitters, no conflicts (2 of 4 stars). 6 submissions from 5 submitters: Uncertain significance (6). Last evaluated 2026-01-06.

Conditions:
Senior-Loken syndrome 4 (SLSN4). Identifiers: Orphanet 3156, MedGen C1846979, MONDO:0011756, OMIM 606996.
Nephronophthisis 4 (NPHP4). Also called: NEPHRONOPHTHISIS 4, JUVENILE. Identifiers: Orphanet 655, MedGen C1847013, MONDO:0011752, OMIM 606966.
Nephronophthisis. Also called: Juvenile Nephronophthisis. Identifiers: Orphanet 655, MedGen C0687120, MONDO:0019005, HP:0000090.
NPHP4-related disorder. Also called: NPHP4-related disorders; NPHP4-related condition. Identifiers: MedGen CN239384.
Inborn genetic diseases. Identifiers: MedGen C0950123, MeSH D030342.

Allele frequency attached by ClinVar (database versions not stated): ExAC 0.00003; gnomAD exomes 0.00003 and 0.00011; gnomAD 0.00006; TOPMed 0.00006; ESP Exome Variant Server 0.00008.
gnomAD v4.1: 170 of 1,613,558 alleles (0.011%); highest among the groups gnomAD compares: Non-Finnish European, 0.014%; no homozygotes.

Submissions (6):

PreventionGenetics, part of Exact Sciences
Classification: Uncertain significance for NPHP4-related condition. Last evaluated: 2026-01-06. Review status: criteria provided, single submitter. Criteria: ACMG Guidelines, 2015. Collection method: clinical testing. Allele origin: germline.
Comment: The NPHP4 c.1166T>C variant is predicted to result in the amino acid substitution p.Val389Ala. To our knowledge, this variant has not been reported in the literature. This variant is reported in 0.0086% of alleles in individuals of European (Non-Finnish) descent in gnomAD. At this time, the clinical significance of this variant is uncertain due to the absence of conclusive functional and genetic evidence.

Labcorp Genetics (formerly Invitae), Labcorp
Classification: Uncertain significance for Nephronophthisis. Last evaluated: 2025-10-06. Review status: criteria provided, single submitter. Criteria: Invitae Variant Classification Sherloc (09022015). Collection method: clinical testing. Allele origin: germline.
Comment: This sequence change replaces valine, which is neutral and non-polar, with alanine, which is neutral and non-polar, at codon 389 of the NPHP4 protein (p.Val389Ala). This variant is present in population databases (rs368324380, gnomAD 0.008%). This variant has not been reported in the literature in individuals affected with NPHP4-related conditions. ClinVar contains an entry for this variant (Variation ID: 297824). Invitae Evidence Modeling of protein sequence and biophysical properties (such as structural, functional, and spatial information, amino acid conservation, physicochemical variation, residue mobility, and thermodynamic stability) indicates that this missense variant is expected to disrupt NPHP4 protein function with a positive predictive value of 80%. In summary, the available evidence is currently insufficient to determine the role of this variant in disease. Therefore, it has been classified as a Variant of Uncertain Significance.

Ambry Genetics
Classification: Uncertain significance for Inborn genetic diseases. Last evaluated: 2024-04-08. Review status: criteria provided, single submitter. Criteria: Ambry Variant Classification Scheme 2023. Collection method: clinical testing. Allele origin: germline.

Fulgent Genetics
Classification: Uncertain significance for Nephronophthisis 4; Senior-Loken syndrome 4. Last evaluated: 2024-02-09. Review status: criteria provided, single submitter. Criteria: ACMG Guidelines, 2015. Collection method: clinical testing. Allele origin: germline.

Illumina Laboratory Services, Illumina
Classification: Uncertain significance for Senior-Loken syndrome 4. Last evaluated: 2018-01-12. Review status: criteria provided, single submitter. Criteria: ICSL Variant Classification Criteria 13 December 2019. Collection method: clinical testing. Allele origin: germline.

Illumina Laboratory Services, Illumina
Classification: Uncertain significance for Nephronophthisis 4. Last evaluated: 2018-01-12. Review status: criteria provided, single submitter. Criteria: ICSL Variant Classification Criteria 13 December 2019. Collection method: clinical testing. Allele origin: germline.